The following is an entry in ClinVar:

NM_000245.4(MET):c.3493C>G (p.Leu1165Val)

Gene: MET (MET proto-oncogene, receptor tyrosine kinase; plus strand). Cytogenetic location: 7q31.2.
Variant type: single nucleotide variant.
Coding change: c.3493C>G on transcript NM_000245.4 (MANE Select); coding-DNA position 3493, C replaced by G.
Protein change: p.Leu1165Val; replaces leucine 1165 with valine.
Molecular consequence: missense variant.
Genome position (GRCh38, 1-based): chr7:116,778,928, C>G. VCF-style: chr7-116778928-C-G. GRCh37 (hg19) VCF-style: chr7-116418982-C-G.
Other names: c.3547C>G, p.Leu1183Val (NM_001127500.3); c.2203C>G, p.Leu735Val (NM_001324402.2); short protein forms L1165V, L1183V, L735V.
Identifiers: ClinVar variation 1732528 (VCV001732528.7), dbSNP rs2117047923, ClinGen allele CA368990294.
Genomic context (GRCh38, chr7:116,778,928, plus strand): 5'-ATCTGCCTGCGAAGTGAAGGGTCTCCGCTGGTGGTCCTACCATACATGAAACATGGAGAT[C>G]TTCGAAATTTCATTCGAAATGAGACTCATGTAAGTTGACTGCCAAGCTTACTAACTGGCA-3'
Protein context (NP_000236.2, residues 1155-1175): VVLPYMKHGD[Leu1165Val]RNFIRNETHN

ClinVar aggregate classification (germline): Uncertain significance. Review status: criteria provided, multiple submitters, no conflicts (2 of 4 stars). 2 submissions from 2 submitters: Uncertain significance (2). Last evaluated 2025-01-30.

Conditions:
Renal cell carcinoma. Identifiers: Orphanet 217071, MedGen C0007134, MeSH D002292, MONDO:0005086, HP:0005584.
Hereditary cancer-predisposing syndrome. Also called: Neoplastic Syndromes, Hereditary; Tumor predisposition; Hereditary Cancer Syndrome; Hereditary neoplastic syndrome. Identifiers: Orphanet 140162, MedGen C0027672, MeSH D009386, MONDO:0015356.

Submissions (2):

Labcorp Genetics (formerly Invitae), Labcorp
Classification: Uncertain significance for Renal cell carcinoma. Last evaluated: 2025-01-30. Review status: criteria provided, single submitter. Criteria: Invitae Variant Classification Sherloc (09022015). Collection method: clinical testing. Allele origin: germline.
Comment: This sequence change replaces leucine, which is neutral and non-polar, with valine, which is neutral and non-polar, at codon 1183 of the MET protein (p.Leu1183Val). This variant is not present in population databases (gnomAD no frequency). This variant has not been reported in the literature in individuals affected with MET-related conditions. ClinVar contains an entry for this variant (Variation ID: 1732528). Invitae Evidence Modeling of protein sequence and biophysical properties (such as structural, functional, and spatial information, amino acid conservation, physicochemical variation, residue mobility, and thermodynamic stability) indicates that this missense variant is not expected to disrupt MET protein function with a negative predictive value of 80%. In summary, the available evidence is currently insufficient to determine the role of this variant in disease. Therefore, it has been classified as a Variant of Uncertain Significance.

Ambry Genetics
Classification: Uncertain significance for Hereditary cancer-predisposing syndrome. Last evaluated: 2023-11-30. Review status: criteria provided, single submitter. Criteria: Ambry Variant Classification Scheme 2023. Collection method: clinical testing. Allele origin: germline.
Comment: The p.L1183V variant (also known as c.3547C>G), located in coding exon 16 of the MET gene, results from a C to G substitution at nucleotide position 3547. The leucine at codon 1183 is replaced by valine, an amino acid with highly similar properties. This amino acid position is highly conserved in available vertebrate species. In addition, this alteration is predicted to be deleterious by in silico analysis. Since supporting evidence is limited at this time, the clinical significance of this alteration remains unclear.